The following is an entry in ClinVar:

ClinVar aggregate classification (germline): Conflicting classifications of pathogenicity. Review status: criteria provided, conflicting classifications (1 of 4 stars). 3 submissions from 3 submitters: Uncertain significance (1); Likely benign (2). Last evaluated 2025-11-26.

Conditions:
Tuberous sclerosis syndrome (TSC). Also called: Tuberous Sclerosis Complex; Tuberous sclerosis. Identifiers: Orphanet 805, MedGen C0041341, MONDO:0001734.
Tuberous sclerosis 1 (TSC1). Identifiers: Orphanet 805, MedGen C1854465, MONDO:0008612, OMIM 191100.

Allele frequency attached by ClinVar (database versions not stated): TOPMed 0.00001; gnomAD exomes below 0.00001; gnomAD 0.00001.
gnomAD v4.1: 5 of 1,611,274 alleles (0.00031%); highest among the groups gnomAD compares: Non-Finnish European, 0.00042%; no homozygotes.

Submissions (3):

Labcorp Genetics (formerly Invitae), Labcorp
Classification: Likely benign for Tuberous sclerosis 1. Last evaluated: 2025-11-26. Review status: criteria provided, single submitter. Criteria: Invitae Variant Classification Sherloc (09022015). Collection method: clinical testing. Allele origin: germline.

Color Diagnostics, LLC DBA Color Health
Classification: Likely benign for Tuberous sclerosis syndrome. Last evaluated: 2025-06-17. Review status: criteria provided, single submitter. Criteria: ACMG Guidelines, 2015. Collection method: clinical testing. Allele origin: germline.

All of Us Research Program, National Institutes of Health
Classification: Uncertain significance for Tuberous sclerosis syndrome. Last evaluated: 2023-11-20. Review status: criteria provided, single submitter. Criteria: ACMG Guidelines, 2015. Collection method: clinical testing. Allele origin: germline. Inheritance: Autosomal dominant inheritance. Observed: 2 variant alleles, 2 heterozygotes.
Comment: This variant causes a T to A nucleotide substitution at the -10 position of intron 14 of the TSC1 gene. To our knowledge, functional studies have not been reported for this variant. This variant has not been reported in individuals affected with TSC1-related disorders in the literature. This variant has not been identified in the general population by the Genome Aggregation Database (gnomAD). The available evidence is insufficient to determine the role of this variant in disease conclusively. Therefore, this variant is classified as a Variant of Uncertain Significance.

This study involves interpretation of variants in research participants for the purpose of population health screening. Participant phenotype was not available at the time of variant classification. Additional details can be found in publication PMID: 35346344, PMCID: PMC8962531

NM_000368.5(TSC1):c.1439-10T>A

Gene: TSC1 (TSC complex subunit 1; minus strand). Cytogenetic location: 9q34.13.
Variant type: single nucleotide variant.
Coding change: c.1439-10T>A on transcript NM_000368.5 (MANE Select); 10 bases into the intron before coding-DNA position 1439, T replaced by A.
Molecular consequence: intron variant.
Genome position (GRCh38, 1-based): chr9:132,906,149, A>T on the plus strand (T>A on the coding strand, the complement: TSC1 is on the minus strand). VCF-style: chr9-132906149-A-T. GRCh37 (hg19) VCF-style: chr9-135781536-A-T.
Other names: c.1076-10T>A (NM_001362177.2); c.1286-10T>A (NM_001162427.2); c.1436-10T>A (NM_001162426.2).
Identifiers: ClinVar variation 416650 (VCV000416650.12), dbSNP rs1060504852, ClinGen allele CA16612582.
Genomic context (GRCh38, chr9:132,906,149, plus strand): 5'-CAGGCTCTGCCTCTGCTGTGGTGATCTCAGAAAGTTCTCTAGATATTGCAGCTGAGAGGA[A>T]GAGAGGAAACAAAAGAAATGGCAGTCGGTATTCCACCTGGGAAAGACTAGGCAGTTTGGG-3'